The following is an entry in ClinVar:

ClinVar aggregate classification (germline): Uncertain significance (1 of 4 stars; one submission).

gnomAD v4.1: 3 of 1,614,138 alleles (0.00019%); highest among the groups gnomAD compares: South Asian, 0.0011%; no homozygotes.

Submission:

GeneDx
Classification: Uncertain significance. Last evaluated: 2024-06-14. Review status: criteria provided, single submitter. Criteria: GeneDx Variant Classification Process June 2021. Collection method: clinical testing. Allele origin: germline. Affected: yes.
Comment: Not observed at significant frequency in large population cohorts (gnomAD); In silico analysis indicates that this missense variant does not alter protein structure/function; Has not been previously published as pathogenic or benign to our knowledge

NM_006734.4(HIVEP2):c.1748G>A (p.Gly583Asp)

Gene: HIVEP2 (HIVEP zinc finger 2; minus strand). Cytogenetic location: 6q24.2.
Variant type: single nucleotide variant.
Coding change: c.1748G>A on transcript NM_006734.4 (MANE Select); coding-DNA position 1748, G replaced by A.
Protein change: p.Gly583Asp; replaces glycine 583 with aspartic acid.
Molecular consequence: missense variant.
Genome position (GRCh38, 1-based): chr6:142,772,991, C>T on the plus strand (G>A on the coding strand, the complement: HIVEP2 is on the minus strand). VCF-style: chr6-142772991-C-T. GRCh37 (hg19) VCF-style: chr6-143094128-C-T.
Other names: short protein forms G583D.
Identifiers: ClinVar variation 3390552 (VCV003390552.1).